The following is an entry in ClinVar:

ClinVar aggregate classification (germline): Uncertain significance (1 of 4 stars; one submission).

Conditions:
Inborn genetic diseases. Identifiers: MedGen C0950123, MeSH D030342.

Allele frequency attached by ClinVar (database versions not stated): gnomAD exomes 0.00001; ExAC 0.00002.

Submission:

Ambry Genetics
Classification: Uncertain significance for Inborn genetic diseases. Last evaluated: 2019-01-11. Review status: criteria provided, single submitter. Criteria: Ambry Variant Classification Scheme 2023. Collection method: clinical testing. Allele origin: germline.
Comment: The p.G304S variant (also known as c.910G>A), located in coding exon 2 of the ARX gene, results from a G to A substitution at nucleotide position 910. The glycine at codon 304 is replaced by serine, an amino acid with similar properties. This amino acid position is not well conserved in available vertebrate species. In addition, this alteration is predicted to be tolerated by in silico analysis. Since supporting evidence is limited at this time, the clinical significance of this alteration remains unclear.

NM_139058.3(ARX):c.910G>A (p.Gly304Ser)

Gene: ARX (aristaless related homeobox; minus strand). Cytogenetic location: Xp21.3.
Variant type: single nucleotide variant.
Coding change: c.910G>A on transcript NM_139058.3 (MANE Select); coding-DNA position 910, G replaced by A.
Protein change: p.Gly304Ser; replaces glycine 304 with serine.
Molecular consequence: missense variant.
Genome position (GRCh38, 1-based): chrX:25,013,085, C>T on the plus strand (G>A on the coding strand, the complement: ARX is on the minus strand). VCF-style: chrX-25013085-C-T. GRCh37 (hg19) VCF-style: chrX-25031202-C-T.
Other names: short protein forms G304S.
Identifiers: ClinVar variation 1765839 (VCV001765839.2), dbSNP rs760990483, ClinGen allele CA10373865.